The following is an entry in ClinVar:

ClinVar aggregate classification (germline): Uncertain significance (1 of 4 stars; one submission).

Submission:

CeGaT Center for Human Genetics Tuebingen
Classification: Uncertain significance. Last evaluated: 2024-05-01. Review status: criteria provided, single submitter. Criteria: CeGaT Center For Human Genetics Tuebingen Variant Classification Criteria Version 2. Collection method: clinical testing. Allele origin: germline. Affected: yes. Observed: 1 variant allele.
Comment: CHD8: PM2, PP3

NM_001170629.2(CHD8):c.4964G>A (p.Cys1655Tyr)

Gene: CHD8 (chromodomain helicase DNA binding protein 8; minus strand). Cytogenetic location: 14q11.2.
Variant type: single nucleotide variant.
Coding change: c.4964G>A on transcript NM_001170629.2 (MANE Select); coding-DNA position 4964, G replaced by A.
Protein change: p.Cys1655Tyr; replaces cysteine 1655 with tyrosine.
Molecular consequence: missense variant.
Genome position (GRCh38, 1-based): chr14:21,397,910, C>T on the plus strand (G>A on the coding strand, the complement: CHD8 is on the minus strand). VCF-style: chr14-21397910-C-T. GRCh37 (hg19) VCF-style: chr14-21866069-C-T.
Other names: c.4127G>A, p.Cys1376Tyr (NM_020920.4); short protein forms C1376Y, C1655Y.
Identifiers: ClinVar variation 3234690 (VCV003234690.20), dbSNP rs2139457129, ClinGen allele CA388886982.